The following is an entry in ClinVar:

NM_000083.3(CLCN1):c.2657G>C (p.Ser886Thr)

Gene: CLCN1 (chloride voltage-gated channel 1; plus strand). Cytogenetic location: 7q34.
Variant type: single nucleotide variant.
Coding change: c.2657G>C on transcript NM_000083.3 (MANE Select); coding-DNA position 2657, G replaced by C.
Protein change: p.Ser886Thr; replaces serine 886 with threonine.
Molecular consequence: missense variant. On other transcripts: non-coding transcript variant (1).
Genome position (GRCh38, 1-based): chr7:143,351,655, G>C. VCF-style: chr7-143351655-G-C. GRCh37 (hg19) VCF-style: chr7-143048748-G-C.
Other names: c.2657G>C (NM_000083.2); short protein forms S886T.
Identifiers: ClinVar variation 2156794 (VCV002156794.5), dbSNP rs868113642, ClinGen allele CA369653550.

ClinVar aggregate classification (germline): Uncertain significance. Review status: criteria provided, multiple submitters, no conflicts (2 of 4 stars). 2 submissions from 2 submitters: Uncertain significance (2). Last evaluated 2023-03-28.

Conditions:
Congenital myotonia, autosomal recessive form. Also called: BECKER DISEASE; Becker Generalized Myotonia; myotonia congenita, autosomal recessive. Identifiers: Orphanet 614, MedGen C0751360, MONDO:0009715, OMIM 255700.
Congenital myotonia, autosomal dominant form (THD). Also called: THOMSEN DISEASE; Myotonia congenita autosomal dominant. Identifiers: Orphanet 614, MedGen C2936781, MONDO:0008055, OMIM 160800.

Allele frequency attached by ClinVar (database versions not stated): gnomAD exomes below 0.00001; TOPMed below 0.00001; gnomAD 0.00001.
gnomAD v4.1: 3 of 1,614,044 alleles (0.00019%); highest among the groups gnomAD compares: African/African-American, 0.0013%; no homozygotes.

Submissions (2):

GeneDx
Classification: Uncertain significance. Last evaluated: 2023-03-28. Review status: criteria provided, single submitter. Criteria: GeneDx Variant Classification Process June 2021. Collection method: clinical testing. Allele origin: germline. Affected: yes.
Comment: Not observed at significant frequency in large population cohorts (gnomAD); In silico analysis supports that this missense variant does not alter protein structure/function; Has not been previously published as pathogenic or benign to our knowledge

Labcorp Genetics (formerly Invitae), Labcorp
Classification: Uncertain significance for Congenital myotonia, autosomal recessive form; Congenital myotonia, autosomal dominant form. Last evaluated: 2022-09-07. Review status: criteria provided, single submitter. Criteria: Invitae Variant Classification Sherloc (09022015). Collection method: clinical testing. Allele origin: germline.
Comment: This sequence change replaces serine, which is neutral and polar, with threonine, which is neutral and polar, at codon 886 of the CLCN1 protein (p.Ser886Thr). This variant is not present in population databases (gnomAD no frequency). This variant has not been reported in the literature in individuals affected with CLCN1-related conditions. Algorithms developed to predict the effect of missense changes on protein structure and function are either unavailable or do not agree on the potential impact of this missense change (SIFT: "Tolerated"; PolyPhen-2: "Possibly Damaging"; Align-GVGD: "Class C0"). In summary, the available evidence is currently insufficient to determine the role of this variant in disease. Therefore, it has been classified as a Variant of Uncertain Significance.